The following is an entry in ClinVar:

NM_000257.4(MYH7):c.1396G>A (p.Glu466Lys)

Gene: MYH7 (myosin heavy chain 7; minus strand). Cytogenetic location: 14q11.2.
Variant type: single nucleotide variant.
Coding change: c.1396G>A on transcript NM_000257.4 (MANE Select); coding-DNA position 1396, G replaced by A.
Protein change: p.Glu466Lys; replaces glutamic acid 466 with lysine.
Molecular consequence: missense variant.
Genome position (GRCh38, 1-based): chr14:23,428,966, C>T on the plus strand (G>A on the coding strand, the complement: MYH7 is on the minus strand). VCF-style: chr14-23428966-C-T. GRCh37 (hg19) VCF-style: chr14-23898175-C-T.
Other names: c.1396G>A (LRG_384t1); short protein forms E466K.
Identifiers: ClinVar variation 222722 (VCV000222722.16), dbSNP rs4981473, ClinGen allele CA351720.

ClinVar aggregate classification (germline): Uncertain significance/VUS-mid. Review status: criteria provided, multiple submitters, no conflicts (2 of 4 stars). 7 submissions from 7 submitters: Uncertain significance (6); VUS-mid (1). Last evaluated 2026-01-25.

Conditions:
Dilated cardiomyopathy 1S (CMD1S). Identifiers: Orphanet 154, Orphanet 54260, MedGen C1834481, MONDO:0013262, OMIM 613426.
Cardiomyopathy (CMYO). Also called: Cardiomyopathies. Identifiers: Orphanet 167848, MedGen C0878544, MONDO:0004994, HP:0001638. Inheritance: Various modes of inheritance.
Hypertrophic cardiomyopathy. Also called: HYPERTROPHIC MYOCARDIOPATHY. Identifiers: Orphanet 217569, MedGen C0007194, MeSH D002312, MONDO:0005045, HP:0001639.
Cardiovascular phenotype. Identifiers: MedGen CN230736.

Allele frequency attached by ClinVar (database versions not stated): gnomAD exomes below 0.00001.

Submissions (7):

Labcorp Genetics (formerly Invitae), Labcorp
Classification: Uncertain significance for Hypertrophic cardiomyopathy. Last evaluated: 2026-01-25. Review status: criteria provided, single submitter. Criteria: Invitae Variant Classification Sherloc (09022015). Collection method: clinical testing. Allele origin: germline.
Comment: This sequence change replaces glutamic acid, which is acidic and polar, with lysine, which is basic and polar, at codon 466 of the MYH7 protein (p.Glu466Lys). This variant is present in population databases (no rsID available, gnomAD 0.003%). This missense change has been observed in individual(s) with hypertrophic cardiomyopathy (PMID: 27532257). ClinVar contains an entry for this variant (Variation ID: 222722). Invitae Evidence Modeling of protein sequence and biophysical properties (such as structural, functional, and spatial information, amino acid conservation, physicochemical variation, residue mobility, and thermodynamic stability) indicates that this missense variant is expected to disrupt MYH7 protein function with a positive predictive value of 95%. In summary, the available evidence is currently insufficient to determine the role of this variant in disease. Therefore, it has been classified as a Variant of Uncertain Significance.

Center for Molecular Medicine, Children’s Hospital of Fudan University
Classification: VUS-mid for Dilated cardiomyopathy 1S. Last evaluated: 2025-12-12. Review status: criteria provided, single submitter. Criteria: ACMG Guidelines 2015. Collection method: clinical testing. Allele origin: maternal. Affected: yes.
Comment: PM2+PP3

Color Diagnostics, LLC DBA Color Health
Classification: Uncertain significance for Cardiomyopathy. Last evaluated: 2025-11-26. Review status: criteria provided, single submitter. Criteria: ACMG Guidelines, 2015. Collection method: clinical testing. Allele origin: germline.
Comment: This missense variant replaces glutamic acid with lysine at codon 466 of the MYH7 protein. This variant is found within a highly conserved region of the myosin head domain. Missense variants in this region have been shown to be significantly overrepresented in individuals with hypertrophic cardiomyopathy (PMID: 27532257). Computational prediction tools indicate that this variant has a deleterious impact on protein structure and function. To our knowledge, functional studies have not been reported for this variant. This variant has not been reported in individuals affected with MYH7-related disorders in the literature. This variant has been identified in 1/1614178 chromosomes in the general population by the Genome Aggregation Database (gnomAD). The available evidence is insufficient to determine the role of this variant in disease conclusively. Therefore, this variant is classified as a Variant of Uncertain Significance.

Ambry Genetics
Classification: Uncertain significance for Cardiovascular phenotype. Last evaluated: 2024-06-04. Review status: criteria provided, single submitter. Criteria: Ambry Variant Classification Scheme 2023. Collection method: clinical testing. Allele origin: germline.
Comment: The p.E466K variant (also known as c.1396G>A), located in coding exon 12 of the MYH7 gene, results from a G to A substitution at nucleotide position 1396. The glutamic acid at codon 466 is replaced by lysine, an amino acid with similar properties. This amino acid position is highly conserved in available vertebrate species. In addition, this alteration is predicted to be deleterious by in silico analysis. Based on the available evidence, the clinical significance of this variant remains unclear.

All of Us Research Program, National Institutes of Health
Classification: Uncertain significance for Cardiomyopathy. Last evaluated: 2023-11-30. Review status: criteria provided, single submitter. Criteria: ACMG Guidelines, 2015. Collection method: clinical testing. Allele origin: germline. Inheritance: Autosomal dominant inheritance. Observed: 3 variant alleles, 3 heterozygotes.
Comment: This missense variant replaces glutamic acid with lysine at codon 466 of the MYH7 protein. This variant is found within a highly conserved region of the myosin head domain. Missense variants in this region have been shown to be significantly overrepresented in individuals with hypertrophic cardiomyopathy (PMID: 27532257). Computational prediction suggests that this variant may have deleterious impact on protein structure and function (internally defined REVEL score threshold >= 0.7, PMID: 27666373). To our knowledge, functional studies have not been reported for this variant. This variant has not been reported in individuals affected with MYH7-related disorders in the literature. This variant has been identified in 1/251468 chromosomes in the general population by the Genome Aggregation Database (gnomAD). The available evidence is insufficient to determine the role of this variant in disease conclusively. Therefore, this variant is classified as a Variant of Uncertain Significance.

This study involves interpretation of variants in research participants for the purpose of population health screening. Participant phenotype was not available at the time of variant classification. Additional details can be found in publication PMID: 35346344, PMCID: PMC8962531

GeneDx
Classification: Uncertain significance. Last evaluated: 2019-11-01. Review status: criteria provided, single submitter. Criteria: GeneDx Variant Classification Process June 2021. Collection method: clinical testing. Allele origin: germline. Affected: yes.
Comment: Not observed at a significant frequency in large population cohorts (Lek et al., 2016); In silico analysis, which includes protein predictors and evolutionary conservation, supports a deleterious effect; Has not been previously published as pathogenic or benign to our knowledge

Blueprint Genetics
Classification: Uncertain significance. Last evaluated: 2017-08-16. Review status: criteria provided, single submitter. Criteria: ACMG Guidelines, 2015. Collection method: clinical testing. Allele origin: germline.

Literature cited by the submitters: PubMed 27532257 (cited by 3 submitters).